The following is an entry in ClinVar:

ClinVar aggregate classification (germline): Uncertain significance (1 of 4 stars; one submission).

Conditions:
Emery-Dreifuss muscular dystrophy 4, autosomal dominant (EDMD4). Also called: EMERY-DREIFUSS MUSCULAR DYSTROPHY 4 WITH VARIABLE FEATURES. Identifiers: Orphanet 261, MedGen C2751807, MONDO:0013071, OMIM 612998.
Autosomal recessive ataxia, Beauce type. Also called: SYNE1-Related Autosomal Recessive Cerebellar Ataxia; SYNE1 Deficiency; Spinocerebellar ataxia, autosomal recessive 8; ATAXIA, RECESSIVE, OF BEAUCE. Identifiers: Orphanet 88644, MedGen C1853116, MONDO:0012549, OMIM 610743.

gnomAD v4.1: 22 of 1,614,092 alleles (0.0014%); highest among the groups gnomAD compares: Admixed American, 0.01%; no homozygotes.

Submission:

Labcorp Genetics (formerly Invitae), Labcorp
Classification: Uncertain significance for Emery-Dreifuss muscular dystrophy 4, autosomal dominant; Autosomal recessive ataxia, Beauce type. Last evaluated: 2024-05-29. Review status: criteria provided, single submitter. Criteria: Invitae Variant Classification Sherloc (09022015). Collection method: clinical testing. Allele origin: germline.
Comment: This sequence change replaces arginine, which is basic and polar, with glutamine, which is neutral and polar, at codon 8198 of the SYNE1 protein (p.Arg8198Gln). This variant is present in population databases (rs148367376, gnomAD 0.009%). This variant has not been reported in the literature in individuals affected with SYNE1-related conditions. ClinVar contains an entry for this variant (Variation ID: 1907481). An algorithm developed to predict the effect of missense changes on protein structure and function (PolyPhen-2) suggests that this variant is likely to be disruptive. In summary, the available evidence is currently insufficient to determine the role of this variant in disease. Therefore, it has been classified as a Variant of Uncertain Significance.

NM_182961.4(SYNE1):c.24806G>A (p.Arg8269Gln)

Gene: SYNE1 (spectrin repeat containing nuclear envelope protein 1; minus strand). Cytogenetic location: 6q25.2.
Variant type: single nucleotide variant.
Coding change: c.24806G>A on transcript NM_182961.4 (MANE Select); coding-DNA position 24806, G replaced by A.
Protein change: p.Arg8269Gln; replaces arginine 8269 with glutamine.
Molecular consequence: missense variant.
Genome position (GRCh38, 1-based): chr6:152,148,215, C>T on the plus strand (G>A on the coding strand, the complement: SYNE1 is on the minus strand). VCF-style: chr6-152148215-C-T. GRCh37 (hg19) VCF-style: chr6-152469350-C-T.
Other names: c.1412G>A, p.Arg471Gln (NM_001347701.2); c.1271G>A, p.Arg424Gln (NM_001347702.2); c.24593G>A, p.Arg8198Gln (NM_033071.5); short protein forms R424Q, R8198Q, R8269Q, R471Q.
Identifiers: ClinVar variation 1907481 (VCV001907481.3), dbSNP rs148367376, ClinGen allele CA4053064.
Genomic context (GRCh38, chr6:152,148,215, plus strand): 5'-TAGTCGTGATCCCACTCCAGGGGGATGGAGTCCACACTAGCCGGGGTGTCTCGTCCTGAC[C>T]GCTCGCTCCGGAGGGGCTGAGCGAGCGAGAGGGAGAGATTGGAGGAAGGCTGTGGAGAAA-3'
Protein context (NP_892006.3, residues 8259-8279): LSLAQPLRSE[Arg8269Gln]SGRDTPASVD